The following is an entry in ClinVar:

NM_004522.3(KIF5C):c.278C>T (p.Thr93Ile)

Gene: KIF5C (kinesin family member 5C; plus strand). Cytogenetic location: 2q23.1.
Variant type: single nucleotide variant.
Coding change: c.278C>T on transcript NM_004522.3 (MANE Select); coding-DNA position 278, C replaced by T.
Protein change: p.Thr93Ile; replaces threonine 93 with isoleucine.
Molecular consequence: missense variant.
Genome position (GRCh38, 1-based): chr2:148,929,341, C>T. VCF-style: chr2-148929341-C-T. GRCh37 (hg19) VCF-style: chr2-149686910-C-T.
Other names: short protein forms T93I.
Identifiers: ClinVar variation 1333049 (VCV001333049.4), dbSNP rs2105091650, ClinGen allele CA348727081.
Genomic context (GRCh38, chr2:148,929,341, plus strand): 5'-ATGTCCTTGAAGGTTATAACGGGACGATTTTTGCGTATGGGCAGACTTCATCAGGAAAAA[C>T]CCACACCATGGAGGTAAGATTACAATGTGCTCTAATGCGAATCTCTGAGATGACTGAATG-3'
Protein context (NP_004513.1, residues 83-103): FAYGQTSSGK[Thr93Ile]HTMEGKLHDP

ClinVar aggregate classification (germline): Pathogenic/Likely pathogenic. Review status: criteria provided, multiple submitters, no conflicts (2 of 4 stars). 2 submissions from 2 submitters: Pathogenic (1); Likely pathogenic (1). Last evaluated 2026-01-28.

Conditions:
Complex cortical dysplasia with other brain malformations 2. Identifiers: MedGen C3809013, MONDO:0014116, OMIM 615282.

Submissions (2):

GeneDx
Classification: Pathogenic. Last evaluated: 2026-01-28. Review status: criteria provided, single submitter. Criteria: GeneDx Variant Classification Process June 2021. Collection method: clinical testing. Allele origin: germline. Affected: yes.
Comment: Published functional studies demonstrate a damaging effect on kinesin heavy chain protein function (PMID: 7490281); Not observed at significant frequency in large population cohorts (gnomAD); In silico analysis supports that this missense variant has a deleterious effect on protein structure/function; This variant is associated with the following publications: (PMID: 39503049, 7490281)

Institute of Human Genetics, University of Leipzig Medical Center
Classification: Likely pathogenic for Complex cortical dysplasia with other brain malformations 2. Last evaluated: 2024-12-12. Review status: criteria provided, single submitter. Criteria: ACMG Guidelines, 2015. Collection method: clinical testing. Allele origin: de novo. Affected: yes.
Comment: PS2_moderate, PM1, PM2, PP2, PP3